The following is an entry in ClinVar:

NM_001291303.3(FAT4):c.12019A>G (p.Ile4007Val)

Gene: FAT4 (FAT atypical cadherin 4; plus strand). Cytogenetic location: 4q28.1.
Variant type: single nucleotide variant.
Coding change: c.12019A>G on transcript NM_001291303.3 (MANE Select); coding-DNA position 12019, A replaced by G.
Protein change: p.Ile4007Val; replaces isoleucine 4007 with valine.
Molecular consequence: missense variant.
Genome position (GRCh38, 1-based): chr4:125,468,625, A>G. VCF-style: chr4-125468625-A-G. GRCh37 (hg19) VCF-style: chr4-126389780-A-G.
Other names: c.12019A>G, p.Ile4007Val (NM_001291285.3); c.12013A>G, p.Ile4005Val (NM_024582.6); c.12013A>G (NM_024582.5); short protein forms I4005V, I4007V.
Identifiers: ClinVar variation 1309873 (VCV001309873.3), dbSNP rs913813636, ClinGen allele CA104860334.

ClinVar aggregate classification (germline): Uncertain significance. Review status: criteria provided, multiple submitters, no conflicts (2 of 4 stars). 2 submissions from 2 submitters: Uncertain significance (2). Last evaluated 2024-02-03.

Conditions:
Hennekam lymphangiectasia-lymphedema syndrome 2 (HKLLS2). Identifiers: Orphanet 2136, MedGen C4014939, MONDO:0014454, OMIM 616006.
Van Maldergem syndrome 2 (VMLDS2). Identifiers: Orphanet 314679, MedGen C3809875, MONDO:0014242, OMIM 615546.

gnomAD v4.1: 3 of 1,614,156 alleles (0.00019%); highest among the groups gnomAD compares: Non-Finnish European, 0.00025%; no homozygotes.

Submissions (2):

Fulgent Genetics
Classification: Uncertain significance for Van Maldergem syndrome 2; Hennekam lymphangiectasia-lymphedema syndrome 2. Last evaluated: 2024-02-03. Review status: criteria provided, single submitter. Criteria: ACMG Guidelines, 2015. Collection method: clinical testing. Allele origin: germline.

GeneDx
Classification: Uncertain significance. Last evaluated: 2019-10-31. Review status: criteria provided, single submitter. Criteria: GeneDx Variant Classification Process June 2021. Collection method: clinical testing. Allele origin: germline. Affected: yes.
Comment: Not observed in large population cohorts (Lek et al., 2016); In silico analysis, which includes protein predictors and evolutionary conservation, supports that this variant does not alter protein structure/function; Has not been previously published as pathogenic or benign to our knowledge